The following is an entry in ClinVar:

NM_001080449.3(DNA2):c.74+7_74+9delinsCTT

Gene: DNA2 (DNA replication helicase/nuclease 2; minus strand). Cytogenetic location: 10q21.3.
Variant type: Indel.
Coding change: c.74+7_74+9delinsCTT on transcript NM_001080449.3 (MANE Select); bases 7 to 9 of the intron after coding-DNA position 74, GGA replaced by CTT.
Molecular consequence: intron variant.
Genome position (GRCh38, 1-based): chr10:68,471,782-68,471,784, TCC replaced by AAG on the plus strand (GGA replaced by CTT on the coding strand, the reverse complement: DNA2 is on the minus strand). VCF-style: chr10-68471782-TCC-AAG. GRCh37 (hg19) VCF-style: chr10-70231539-TCC-AAG.
Identifiers: ClinVar variation 1879134 (VCV001879134.34), dbSNP rs2494022578, ClinGen allele CA2580081747.

ClinVar aggregate classification (germline): Uncertain significance. Review status: criteria provided, multiple submitters, no conflicts (2 of 4 stars). 2 submissions from 2 submitters: Uncertain significance (2). Last evaluated 2022-10-28.

Submissions (2):

Labcorp Genetics (formerly Invitae), Labcorp
Classification: Uncertain significance. Last evaluated: 2022-10-28. Review status: criteria provided, single submitter. Criteria: Invitae Variant Classification Sherloc (09022015). Collection method: clinical testing. Allele origin: germline.
Comment: In summary, the available evidence is currently insufficient to determine the role of this variant in disease. Therefore, it has been classified as a Variant of Uncertain Significance. Experimental studies and prediction algorithms are not available or were not evaluated, and the effect of this variant on mRNA splicing is currently unknown. This variant has not been reported in the literature in individuals affected with DNA2-related conditions. Information on the frequency of this variant in the gnomAD database is not available, as this variant may be reported differently in the database. This sequence change falls in intron 1 of the DNA2 gene. It does not directly change the encoded amino acid sequence of the DNA2 protein.

CeGaT Center for Human Genetics Tuebingen
Classification: Uncertain significance. Last evaluated: 2022-10-01. Review status: criteria provided, single submitter. Criteria: CeGaT Center For Human Genetics Tuebingen Variant Classification Criteria Version 2. Collection method: clinical testing. Allele origin: germline. Affected: yes. Observed: 1 variant allele.
Comment: DNA2: PM2, BP4